The following is an entry in ClinVar:

ClinVar aggregate classification (germline): Uncertain significance (1 of 4 stars; one submission).

Submission:

GeneDx
Classification: Uncertain significance. Last evaluated: 2025-03-20. Review status: criteria provided, single submitter. Criteria: GeneDx Variant Classification Process June 2021. Collection method: clinical testing. Allele origin: germline. Affected: yes.
Comment: Not observed at significant frequency in large population cohorts (gnomAD); In silico analysis supports that this missense variant has a deleterious effect on protein structure/function; Has not been previously published as pathogenic or benign to our knowledge

NM_001303256.3(MORC2):c.1626G>C (p.Lys542Asn)

Gene: MORC2 (MORC family CW-type zinc finger 2; minus strand). Cytogenetic location: 22q12.2.
Variant type: single nucleotide variant.
Coding change: c.1626G>C on transcript NM_001303256.3 (MANE Select); coding-DNA position 1626, G replaced by C.
Protein change: p.Lys542Asn; replaces lysine 542 with asparagine.
Molecular consequence: missense variant.
Genome position (GRCh38, 1-based): chr22:30,936,622, C>G on the plus strand (G>C on the coding strand, the complement: MORC2 is on the minus strand). VCF-style: chr22-30936622-C-G. GRCh37 (hg19) VCF-style: chr22-31332609-C-G.
Other names: c.1626G>C, p.Lys542Asn (NM_001303257.2); c.1440G>C, p.Lys480Asn (NM_014941.3); short protein forms K480N, K542N.
Identifiers: ClinVar variation 4086492 (VCV004086492.1).